The following is an entry in ClinVar:

NM_000552.5(VWF):c.1548T>C (p.Tyr516=)

Gene: VWF (von Willebrand factor; minus strand). Cytogenetic location: 12p13.31.
Variant type: single nucleotide variant.
Coding change: c.1548T>C on transcript NM_000552.5 (MANE Select); coding-DNA position 1548, T replaced by C.
Protein change: p.Tyr516=; no amino-acid change (tyrosine 516 retained).
Molecular consequence: synonymous variant.
Genome position (GRCh38, 1-based): chr12:6,058,030, A>G on the plus strand (T>C on the coding strand, the complement: VWF is on the minus strand). VCF-style: chr12-6058030-A-G. GRCh37 (hg19) VCF-style: chr12-6167196-A-G.
Other names: p.Tyr516=; NM_000552.5(VWF):c.1548T>C; c.1548T>C (NM_000552.4).
Identifiers: ClinVar variation 256655 (VCV000256655.25), dbSNP rs1800379, ClinGen allele CA6403343.

ClinVar aggregate classification (germline): Benign. Review status: reviewed by expert panel (3 of 4 stars). 14 submissions from 12 submitters: Benign (1). 13 of the submissions do not count toward it. Last evaluated 2026-03-03.

Conditions:
Hereditary von Willebrand disease. Identifiers: Orphanet 903, MedGen C5703318, MONDO:0019565. Inheritance: Autosomal recessive or Autosomal dominant.
von Willebrand disease type 2 (VWD2). Also called: VON WILLEBRAND DISEASE, TYPE 2A/IIE; VON WILLEBRAND DISEASE, TYPE 2CB; VON WILLEBRAND DISEASE, TYPE II; VWD, TYPE 2. Identifiers: Orphanet 166081, Orphanet 903, MedGen C1264040, MONDO:0013304, OMIM 613554.
von Willebrand disease type 1 (VWD1). Also called: VON WILLEBRAND DISEASE, TYPE I; VWD, TYPE 1. Identifiers: Orphanet 166078, Orphanet 903, MedGen C1264039, MONDO:0008668, OMIM 193400. Inheritance: autosomal recessive or autosomal dominant.
von Willebrand disease type 3 (VWD3). Also called: Type 3 Von Willebrand's disease; Type 3 VWD; Von Willebrand disease, severe form; V WD3; VON WILLEBRAND DISEASE, TYPE III. Identifiers: Orphanet 166096, MedGen C1264041, MONDO:0010191, OMIM 277480.

Allele frequency attached by ClinVar (database versions not stated): gnomAD exomes 0.33371 and 0.35864; ExAC 0.34472; 1000 Genomes Project 0.37700; 1000 Genomes Project 30x 0.38210; gnomAD 0.40988 and 0.41956; TOPMed 0.41036; ESP Exome Variant Server 0.43088.
gnomAD v4.1: 586,619 of 1,612,916 alleles (36%); highest among the groups gnomAD compares: African/African-American, 60%; 111,546 homozygotes.

Submissions (14):

ClinGen von Willebrand Disease Variant Curation Expert Panel, ClinGen
Classification: Benign for Hereditary von Willebrand disease. Last evaluated: 2026-03-03. Review status: reviewed by expert panel. Criteria: ClinGen VWD 2A B M Rules. Collection method: curation. Allele origin: germline.
Comment: The c.1548T>C (p.Tyr516=) variant is a synonymous that is not predicted by SpliceAI to impact splicing. In addition, it occurs at a nucleotide that is not conserved as shown by phyloP score of -1.85 (BP4 & BP7). The Grpmax filtering allele frequency in gnomAD v4.1 is 0.5999 (based on 45321/74962 alleles in the African/African American population, including 13769 homozygotes), which is higher than the ClinGen VWD VCEP threshold of >0.1 for BA1. In summary, this variant meets the criteria to be classified as benign for hereditary von Willebrand disease based on the ACMG/AMP criteria applied, as specified by the ClinGen VWD VCEP: BA1, BP4, BP7 (ClinGen von Willebrand Disease Expert Panel Specifications to the ACMG/AMP Variant Interpretation Guidelines for VWF Version 1.0.0)

Women's Health and Genetics/Laboratory Corporation of America, LabCorp
Classification: Benign. Last evaluated: 2026-05-11. Review status: criteria provided, single submitter. Criteria: LabCorp Variant Classification Summary - May 2015. Collection method: clinical testing. Allele origin: germline. Not counted in ClinVar's aggregate classification.

Blueprint Genetics
Classification: Likely benign. Last evaluated: 2024-11-27. Review status: criteria provided, single submitter. Criteria: ACMG Guidelines, 2015. Collection method: clinical testing. Allele origin: germline. Not counted in ClinVar's aggregate classification.

Genome-Nilou Lab
Classification: Benign for von Willebrand disease type 1. Last evaluated: 2021-12-05. Review status: criteria provided, single submitter. Criteria: ACMG Guidelines, 2015. Collection method: clinical testing. Allele origin: germline. Affected: no. Not counted in ClinVar's aggregate classification.

Genome-Nilou Lab
Classification: Benign for von Willebrand disease type 3. Last evaluated: 2021-12-05. Review status: criteria provided, single submitter. Criteria: ACMG Guidelines, 2015. Collection method: clinical testing. Allele origin: germline. Affected: no. Not counted in ClinVar's aggregate classification.

Genome-Nilou Lab
Classification: Benign for von Willebrand disease type 2. Last evaluated: 2021-12-05. Review status: criteria provided, single submitter. Criteria: ACMG Guidelines, 2015. Collection method: clinical testing. Allele origin: germline. Affected: no. Not counted in ClinVar's aggregate classification.

ARUP Laboratories, Molecular Genetics and Genomics, ARUP Laboratories
Classification: Benign. Last evaluated: 2021-01-25. Review status: criteria provided, single submitter. Criteria: ARUP Molecular Germline Variant Investigation Process 2021. Collection method: clinical testing. Allele origin: germline. Not counted in ClinVar's aggregate classification.

GeneDx
Classification: Benign. Last evaluated: 2018-10-29. Review status: criteria provided, single submitter. Criteria: GeneDx Variant Classification Process June 2021. Collection method: clinical testing. Allele origin: germline. Affected: yes. Not counted in ClinVar's aggregate classification.

Mayo Clinic Laboratories, Mayo Clinic
Classification: Benign. Last evaluated: 2016-05-26. Review status: criteria provided, single submitter. Criteria: ACMG Guidelines, 2015. Collection method: clinical testing. Allele origin: germline. Observed: 417 variant alleles. Not counted in ClinVar's aggregate classification.

Breakthrough Genomics
Classification: Likely benign. Review status: criteria provided, single submitter. Criteria: ACMG Guidelines, 2015. Collection method: not provided. Allele origin: germline. Inheritance: Autosomal recessive inheritance. Affected: yes. Not counted in ClinVar's aggregate classification.

PreventionGenetics, part of Exact Sciences
Classification: Benign. Review status: criteria provided, single submitter. Criteria: ACMG Guidelines, 2015. Collection method: clinical testing. Allele origin: germline. Not counted in ClinVar's aggregate classification.

Department of Pathology and Laboratory Medicine, Sinai Health System
Classification: Uncertain significance. Review status: no assertion criteria provided. Collection method: clinical testing. Allele origin: unknown. Affected: yes. Study: The Canadian Open Genetics Repository (COGR). Not counted in ClinVar's aggregate classification.
Comment: Allele frequency is common in at least one population database (frequency: 60.792% in gnomAD_Exomes) based on the frequency threshold of 0.5% for this gene. Variant was observed in a homozygous state in population databases more than expected for disease. A synonymous variant not located in a splice region.

Genome Diagnostics Laboratory, University Medical Center Utrecht
Classification: Benign. Review status: no assertion criteria provided. Collection method: clinical testing. Allele origin: germline. Affected: yes. Study: VKGL Data-share Consensus. Not counted in ClinVar's aggregate classification.

Joint Genome Diagnostic Labs from Nijmegen and Maastricht, Radboudumc and MUMC+
Classification: Benign. Review status: no assertion criteria provided. Collection method: clinical testing. Allele origin: germline. Affected: yes. Study: VKGL Data-share Consensus. Not counted in ClinVar's aggregate classification.